The following is an entry in ClinVar:

NM_000391.4(TPP1):c.1425+2T>G

Gene: TPP1 (tripeptidyl peptidase 1; minus strand). Cytogenetic location: 11p15.4.
Variant type: single nucleotide variant.
Coding change: c.1425+2T>G on transcript NM_000391.4 (MANE Select); the canonical splice donor site of the intron after coding-DNA position 1425, T replaced by G.
Molecular consequence: splice donor variant.
Genome position (GRCh38, 1-based): chr11:6,615,169, A>C on the plus strand (T>G on the coding strand, the complement: TPP1 is on the minus strand). VCF-style: chr11-6615169-A-C. GRCh37 (hg19) VCF-style: chr11-6636400-A-C.
Identifiers: ClinVar variation 1509301 (VCV001509301.8), dbSNP rs2134591515, ClinGen allele CA379472502.

ClinVar aggregate classification (germline): Likely pathogenic (1 of 4 stars; one submission).

Submission:

Labcorp Genetics (formerly Invitae), Labcorp
Classification: Likely pathogenic. Last evaluated: 2022-12-21. Review status: criteria provided, single submitter. Criteria: Invitae Variant Classification Sherloc (09022015). Collection method: clinical testing. Allele origin: germline.
Comment: This sequence change affects a donor splice site in intron 11 of the TPP1 gene. It is expected to disrupt RNA splicing. Variants that disrupt the donor or acceptor splice site typically lead to a loss of protein function (PMID: 16199547), and loss-of-function variants in TPP1 are known to be pathogenic (PMID: 10330339). This variant is not present in population databases (gnomAD no frequency). This variant has not been reported in the literature in individuals affected with TPP1-related conditions. ClinVar contains an entry for this variant (Variation ID: 1509301). Algorithms developed to predict the effect of sequence changes on RNA splicing suggest that this variant may disrupt the consensus splice site. In summary, the currently available evidence indicates that the variant is pathogenic, but additional data are needed to prove that conclusively. Therefore, this variant has been classified as Likely Pathogenic.

Literature cited by the submitters: PubMed 16199547; PubMed 10330339.